The following is an entry in ClinVar:

NM_022356.4(P3H1):c.102G>T (p.Thr34=)

Gene: P3H1 (prolyl 3-hydroxylase 1; minus strand). Cytogenetic location: 1p34.2.
Variant type: single nucleotide variant.
Coding change: c.102G>T on transcript NM_022356.4 (MANE Select); coding-DNA position 102, G replaced by T.
Protein change: p.Thr34=; no amino-acid change (threonine 34 retained).
Molecular consequence: synonymous variant.
Genome position (GRCh38, 1-based): chr1:42,766,870, C>A on the plus strand (G>T on the coding strand, the complement: P3H1 is on the minus strand). VCF-style: chr1-42766870-C-A. GRCh37 (hg19) VCF-style: chr1-43232541-C-A.
Other names: c.102G>T, p.Thr34= (NM_001146289.2, NM_001243246.2); c.102G>T (NM_022356.3).
Identifiers: ClinVar variation 1577599 (VCV001577599.9), dbSNP rs1361387169, ClinGen allele CA417397060.

ClinVar aggregate classification (germline): Likely benign. Review status: criteria provided, multiple submitters, no conflicts (2 of 4 stars). 2 submissions from 2 submitters: Likely benign (2). Last evaluated 2025-12-30.

Conditions:
P3H1-related disorder. Also called: P3H1-related condition.
Osteogenesis imperfecta type 8 (OI8). Identifiers: MedGen C1970458, MONDO:0012581, OMIM 610915.

Allele frequency attached by ClinVar (database versions not stated): gnomAD exomes below 0.00001; TOPMed below 0.00001; gnomAD 0.00001.

Submissions (2):

Labcorp Genetics (formerly Invitae), Labcorp
Classification: Likely benign for Osteogenesis imperfecta type 8. Last evaluated: 2025-12-30. Review status: criteria provided, single submitter. Criteria: Invitae Variant Classification Sherloc (09022015). Collection method: clinical testing. Allele origin: germline.

PreventionGenetics, part of Exact Sciences
Classification: Likely benign for P3H1-related condition. Last evaluated: 2024-12-13. Review status: criteria provided, single submitter. Criteria: ACMG Guidelines, 2015. Collection method: clinical testing. Allele origin: germline.
Comment: This variant is classified as likely benign based on ACMG/AMP sequence variant interpretation guidelines (Richards et al. 2015 PMID: 25741868, with internal and published modifications).